The following is an entry in ClinVar:

NM_000321.3(RB1):c.2520+6T>G

Gene: RB1 (RB transcriptional corepressor 1; plus strand). Cytogenetic location: 13q14.2.
Variant type: single nucleotide variant.
Coding change: c.2520+6T>G on transcript NM_000321.3 (MANE Select); 6 bases into the intron after coding-DNA position 2520, T replaced by G.
Molecular consequence: intron variant.
Genome position (GRCh38, 1-based): chr13:48,473,396, T>G. VCF-style: chr13-48473396-T-G. GRCh37 (hg19) VCF-style: chr13-49047532-T-G.
Other names: c.2520+6T>G (NM_001407165.1).
Identifiers: ClinVar variation 3722361 (VCV003722361.2).

ClinVar aggregate classification (germline): Likely pathogenic (1 of 4 stars; one submission).

Conditions:
Retinoblastoma (RB1). Also called: RETINOBLASTOMA, SOMATIC. Identifiers: Orphanet 790, MedGen C0035335, MeSH D012175, MONDO:0008380, OMIM 180200, HP:0009919. Disease mechanism: loss of function. Inheritance: Both sporadic and heritable forms are tested..

Submission:

Labcorp Genetics (formerly Invitae), Labcorp
Classification: Likely pathogenic for Retinoblastoma. Last evaluated: 2024-10-07. Review status: criteria provided, single submitter. Criteria: Invitae Variant Classification Sherloc (09022015). Collection method: clinical testing. Allele origin: germline.
Comment: This sequence change falls in intron 24 of the RB1 gene. It does not directly change the encoded amino acid sequence of the RB1 protein. It affects a nucleotide within the consensus splice site. This variant is not present in population databases (gnomAD no frequency). This variant has been observed in individual(s) with bilateral retinoblastoma (internal data). Variants that disrupt the consensus splice site are a relatively common cause of aberrant splicing (PMID: 17576681, 9536098). Algorithms developed to predict the effect of sequence changes on RNA splicing suggest that this variant may disrupt the consensus splice site. This variant disrupts the c.2520+6T nucleotide in the RB1 gene. Other variant(s) that disrupt this nucleotide have been determined to be pathogenic (PMID: 24688104, 34308366). This suggests that this nucleotide is clinically significant, and that variants that disrupt this position are likely to be disease-causing. In summary, the currently available evidence indicates that the variant is pathogenic, but additional data are needed to prove that conclusively. Therefore, this variant has been classified as Likely Pathogenic.

Literature cited by the submitters: PubMed 17576681; PubMed 9536098; PubMed 24688104; PubMed 34308366.